The following is an entry in ClinVar:

NM_005476.7(GNE):c.1129A>G (p.Ile377Val)

Gene: GNE (glucosamine (UDP-N-acetyl)-2-epimerase/N-acetylmannosamine kinase; minus strand). Cytogenetic location: 9p13.3.
Variant type: single nucleotide variant.
Coding change: c.1129A>G on transcript NM_005476.7 (MANE Select); coding-DNA position 1129, A replaced by G.
Protein change: p.Ile377Val; replaces isoleucine 377 with valine.
Molecular consequence: missense variant.
Genome position (GRCh38, 1-based): chr9:36,227,400, T>C on the plus strand (A>G on the coding strand, the complement: GNE is on the minus strand). VCF-style: chr9-36227400-T-C. GRCh37 (hg19) VCF-style: chr9-36227397-T-C.
Other names: c.1222A>G, p.Ile408Val (NM_001128227.3); c.1129A>G, p.Ile377Val (NM_001190383.3); c.799A>G, p.Ile267Val (NM_001190384.3); c.952A>G, p.Ile318Val (NM_001190388.2, NM_001374798.1); c.976A>G, p.Ile326Val (NM_001374797.1); short protein forms I377V, I408V, I267V, I326V, I318V.
Identifiers: ClinVar variation 594521 (VCV000594521.8), dbSNP rs776568062, ClinGen allele CA5056562.

ClinVar aggregate classification (germline): Uncertain significance. Review status: criteria provided, multiple submitters, no conflicts (2 of 4 stars). 2 submissions from 2 submitters: Uncertain significance (2). Last evaluated 2025-03-25.

Conditions:
GNE myopathy (NM). Also called: INCLUSION BODY MYOPATHY, HEREDITARY, AUTOSOMAL RECESSIVE; INCLUSION BODY MYOPATHY 2, AUTOSOMAL RECESSIVE; MYOPATHY, DISTAL, WITH OR WITHOUT RIMMED VACUOLES; NONAKA DISTAL MYOPATHY; IBM 2; Inclusion body myopathy autosomal recessive. Identifiers: Orphanet 602, MedGen C1853926, MONDO:0011603, OMIM 605820.
Sialuria. Also called: SIALURIA, FRENCH TYPE; Sialic Acid Storage Disease. Identifiers: Orphanet 3166, MedGen C0342853, MONDO:0010028, OMIM 269921.

Allele frequency attached by ClinVar (database versions not stated): gnomAD exomes below 0.00001 and 0.00001; ExAC 0.00001; TOPMed 0.00003; gnomAD 0.00004.
gnomAD v4.1: 11 of 1,612,994 alleles (0.00068%); highest among the groups gnomAD compares: African/African-American, 0.011%; no homozygotes.

Submissions (2):

Labcorp Genetics (formerly Invitae), Labcorp
Classification: Uncertain significance for Sialuria; GNE myopathy. Last evaluated: 2025-03-25. Review status: criteria provided, single submitter. Criteria: Invitae Variant Classification Sherloc (09022015). Collection method: clinical testing. Allele origin: germline.
Comment: This sequence change replaces isoleucine, which is neutral and non-polar, with valine, which is neutral and non-polar, at codon 408 of the GNE protein (p.Ile408Val). This variant is present in population databases (rs776568062, gnomAD 0.01%). This variant has not been reported in the literature in individuals affected with GNE-related conditions. ClinVar contains an entry for this variant (Variation ID: 594521). Invitae Evidence Modeling of protein sequence and biophysical properties (such as structural, functional, and spatial information, amino acid conservation, physicochemical variation, residue mobility, and thermodynamic stability) has been performed for this missense variant. However, the output from this modeling did not meet the statistical confidence thresholds required to predict the impact of this variant on GNE protein function. In summary, the available evidence is currently insufficient to determine the role of this variant in disease. Therefore, it has been classified as a Variant of Uncertain Significance.

Eurofins Ntd Llc (ga)
Classification: Uncertain significance. Last evaluated: 2017-10-16. Review status: criteria provided, single submitter. Criteria: EGL Classification Definitions 2015. Collection method: clinical testing. Allele origin: germline. Observed: 1 variant allele, 1 heterozygote.